The following is an entry in ClinVar:

ClinVar aggregate classification (germline): Benign/Likely benign. Review status: criteria provided, multiple submitters, no conflicts (2 of 4 stars). 19 submissions from 15 submitters: Benign (14); Likely benign (5). Last evaluated 2026-05-21.

Conditions:
Hereditary cancer-predisposing syndrome. Also called: Tumor predisposition; Neoplastic Syndromes, Hereditary; Hereditary Cancer Syndrome; Hereditary neoplastic syndrome. Identifiers: Orphanet 140162, MedGen C0027672, MeSH D009386, MONDO:0015356.
Cardiovascular phenotype. Identifiers: MedGen CN230736.
Neurofibromatosis, type 1 (NF1). Also called: Peripheral type neurofibromatosis; Neurofibromatosis, type I; NEUROFIBROMATOSIS, TYPE I, SOMATIC; VON RECKLINGHAUSEN DISEASE. Identifiers: Orphanet 636, MedGen C0027831, MONDO:0018975, OMIM 162200. Disease mechanism: loss of function.
Café-au-lait macules with pulmonary stenosis (WTSN). Also called: PULMONIC STENOSIS WITH CAFE-AU-LAIT SPOTS. Identifiers: MedGen C0553586, MONDO:0008672, OMIM 193520.
Neurofibromatosis-Noonan syndrome (NFNS). Also called: NEUROFIBROMATOSIS WITH NOONAN PHENOTYPE. Identifiers: Orphanet 638, MedGen C2931482, MONDO:0011035, OMIM 601321. Disease mechanism: loss of function.
Neurofibromatosis, familial spinal (FSNF). Identifiers: Orphanet 636, MedGen C1834235, MONDO:0008078, OMIM 162210. Disease mechanism: loss of function.
Juvenile myelomonocytic leukemia (JMML). Also called: LEUKEMIA, JUVENILE MYELOMONOCYTIC, SOMATIC. Identifiers: Orphanet 86834, MedGen C0349639, MONDO:0011908, OMIM 607785, HP:0012209.

Allele frequency attached by ClinVar (database versions not stated): gnomAD 0.00014 and 0.00019; TOPMed 0.00037; 1000 Genomes Project 0.00040; ExAC 0.00041; 1000 Genomes Project 30x 0.00062.
gnomAD v4.1: 276 of 1,613,958 alleles (0.017%); highest among the groups gnomAD compares: East Asian, 0.51%; no homozygotes.

Submissions (19):

Myriad Genetics, Inc.
Classification: Benign for Neurofibromatosis, type 1. Last evaluated: 2026-05-21. Review status: criteria provided, single submitter. Criteria: Myriad Autosomal Dominant, Autosomal Recessive and X-Linked Classification Criteria (2023). Collection method: clinical testing. Allele origin: unknown.
Comment: This variant is considered benign. This variant is a silent/synonymous amino acid change and it is not expected to impact splicing.

Labcorp Genetics (formerly Invitae), Labcorp
Classification: Benign for Neurofibromatosis, type 1. Last evaluated: 2026-02-03. Review status: criteria provided, single submitter. Criteria: Invitae Variant Classification Sherloc (09022015). Collection method: clinical testing. Allele origin: germline.

KCCC/NGS Laboratory, Kuwait Cancer Control Center
Classification: Benign for Neurofibromatosis, type 1. Last evaluated: 2025-02-01. Review status: criteria provided, single submitter. Criteria: ACMG Guidelines, 2015. Collection method: clinical testing. Allele origin: germline. Affected: no.

Blueprint Genetics
Classification: Likely benign. Last evaluated: 2024-06-25. Review status: criteria provided, single submitter. Criteria: ACMG Guidelines, 2015. Collection method: clinical testing. Allele origin: germline.

Department of Pathology and Laboratory Medicine, Sinai Health System
Classification: Likely benign for Neurofibromatosis, type 1; Neurofibromatosis, familial spinal; Café-au-lait macules with pulmonary stenosis; Neurofibromatosis-Noonan syndrome; Juvenile myelomonocytic leukemia. Last evaluated: 2022-08-19. Review status: criteria provided, single submitter. Criteria: ACMG Guidelines, 2015. Collection method: clinical testing. Allele origin: germline. Affected: yes.

CeGaT Center for Human Genetics Tuebingen
Classification: Benign. Last evaluated: 2022-07-01. Review status: criteria provided, single submitter. Criteria: CeGaT Center For Human Genetics Tuebingen Variant Classification Criteria Version 2. Collection method: clinical testing. Allele origin: germline. Affected: yes. Observed: 1 variant allele.
Comment: NF1: BS1, BS2

Genome-Nilou Lab
Classification: Benign for Neurofibromatosis, type 1. Last evaluated: 2022-03-15. Review status: criteria provided, single submitter. Criteria: ACMG Guidelines, 2015. Collection method: clinical testing. Allele origin: germline. Affected: no.

Women's Health and Genetics/Laboratory Corporation of America, LabCorp
Classification: Benign. Last evaluated: 2021-12-16. Review status: criteria provided, single submitter. Criteria: LabCorp Variant Classification Summary - May 2015. Collection method: clinical testing. Allele origin: germline.

Sema4
Classification: Benign for Hereditary cancer-predisposing syndrome. Last evaluated: 2021-06-14. Review status: criteria provided, single submitter. Criteria: Sema4 Curation Guidelines. Collection method: curation. Allele origin: germline.

Genetic Services Laboratory, University of Chicago
Classification: Likely benign. Last evaluated: 2021-01-06. Review status: criteria provided, single submitter. Criteria: ACMG Guidelines, 2015. Collection method: clinical testing. Allele origin: germline. Affected: no.

Genome Diagnostics Laboratory, The Hospital for Sick Children
Classification: Likely benign for Neurofibromatosis, type 1. Last evaluated: 2020-10-26. Review status: criteria provided, single submitter. Criteria: ACMG Guidelines, 2015. Collection method: clinical testing. Allele origin: germline. Affected: yes.

Illumina Laboratory Services, Illumina
Classification: Benign for Neurofibromatosis, type 1. Last evaluated: 2018-01-13. Review status: criteria provided, single submitter. Criteria: ICSL Variant Classification Criteria 13 December 2019. Collection method: clinical testing. Allele origin: germline.
Comment: This variant was observed in the ICSL laboratory as part of a predisposition screen in an ostensibly healthy population. It had not been previously curated by ICSL or reported in the Human Gene Mutation Database (HGMD: prior to June 1st, 2018), and was therefore a candidate for classification through an automated scoring system. Utilizing variant allele frequency, disease prevalence and penetrance estimates, and inheritance mode, an automated score was calculated to assess if this variant is too frequent to cause the disease. Based on the score and internal cut-off values, a variant classified as benign is not then subjected to further curation. The score for this variant resulted in a classification of benign for this disease.

Illumina Laboratory Services, Illumina
Classification: Benign for Café-au-lait macules with pulmonary stenosis. Last evaluated: 2018-01-13. Review status: criteria provided, single submitter. Criteria: ICSL Variant Classification Criteria 13 December 2019. Collection method: clinical testing. Allele origin: germline.
Comment: the same text as in the submission from Illumina Laboratory Services, Illumina above.

Illumina Laboratory Services, Illumina
Classification: Benign for Neurofibromatosis-Noonan syndrome. Last evaluated: 2018-01-13. Review status: criteria provided, single submitter. Criteria: ICSL Variant Classification Criteria 13 December 2019. Collection method: clinical testing. Allele origin: germline.
Comment: the same text as in the submission from Illumina Laboratory Services, Illumina above.

Illumina Laboratory Services, Illumina
Classification: Benign for Neurofibromatosis, familial spinal. Last evaluated: 2018-01-13. Review status: criteria provided, single submitter. Criteria: ICSL Variant Classification Criteria 13 December 2019. Collection method: clinical testing. Allele origin: germline.
Comment: the same text as in the submission from Illumina Laboratory Services, Illumina above.

GeneDx
Classification: Likely benign. Last evaluated: 2017-12-28. Review status: criteria provided, single submitter. Criteria: GeneDx Variant Classification (06012015). Collection method: clinical testing. Allele origin: germline. Affected: yes.
Comment: This variant is considered likely benign or benign based on one or more of the following criteria: it is a conservative change, it occurs at a poorly conserved position in the protein, it is predicted to be benign by multiple in silico algorithms, and/or has population frequency not consistent with disease.

Ambry Genetics
Classification: Benign for Hereditary cancer-predisposing syndrome. Last evaluated: 2016-03-23. Review status: criteria provided, single submitter. Criteria: Ambry Autosomal Dominant and X-Linked criteria (10/2015). Collection method: clinical testing. Allele origin: germline. Observed: 1 variant allele.
Comment: General population or subpopulation frequency is too high to be a pathogenic mutation based on disease/syndrome prevalence and penetrance;In silico models in agreement (benign);Subpopulation frequency in support of benign classification;Synonymous alterations with insufficient evidence to classify as benign

Ambry Genetics
Classification: Benign for Cardiovascular phenotype; Hereditary cancer-predisposing syndrome. Last evaluated: 2016-03-23. Review status: criteria provided, single submitter. Criteria: Ambry Variant Classification Scheme 2023. Collection method: clinical testing. Allele origin: germline.

Laboratory for Molecular Medicine, Mass General Brigham Personalized Medicine
Classification: Benign. Last evaluated: 2015-02-25. Review status: criteria provided, single submitter. Criteria: LMM Criteria. Collection method: clinical testing. Allele origin: germline. Observed: 1 variant allele.
Comment: p.Lys2456Lys in exon 50 of NF1: This variant is not expected to have clinical si gnificance because it does not alter an amino acid residue and is not located wi thin the splice consensus sequence. It has been identified in 0.5% (45/8654) of East Asian chromosomes by the Exome Aggregation Consortium (ExAC; dbSNP rs201287021).

Literature cited by the submitters: PubMed 10678181 (cited by Women's Health and Genetics/Laboratory Corporation of America, LabCorp); PubMed 23460398 (cited by Women's Health and Genetics/Laboratory Corporation of America, LabCorp); PubMed 27069254 (cited by Women's Health and Genetics/Laboratory Corporation of America, LabCorp).

NM_001042492.3(NF1):c.7368A>G (p.Lys2456=)

Gene: NF1 (neurofibromin 1; plus strand). Cytogenetic location: 17q11.2.
Variant type: single nucleotide variant.
Coding change: c.7368A>G on transcript NM_001042492.3 (MANE Select); coding-DNA position 7368, A replaced by G.
Protein change: p.Lys2456=; no amino-acid change (lysine 2456 retained).
Molecular consequence: synonymous variant.
Genome position (GRCh38, 1-based): chr17:31,350,229, A>G. VCF-style: chr17-31350229-A-G. GRCh37 (hg19) VCF-style: chr17-29677247-A-G.
Other names: c.7305A>G, p.Lys2435= (NM_000267.4).
Identifiers: ClinVar variation 184263 (VCV000184263.55), dbSNP rs201287021, ClinGen allele CA188423.